The following is an entry in ClinVar:

ClinVar aggregate classification (germline): Benign. Review status: criteria provided, multiple submitters, no conflicts (2 of 4 stars). 2 submissions from 2 submitters: Benign (2). Last evaluated 2018-06-19.

Allele frequency attached by ClinVar (database versions not stated): 1000 Genomes Project 30x 0.19847; 1000 Genomes Project 0.20048; gnomAD 0.20140 and 0.20539; TOPMed 0.19400.
gnomAD v4.1: 351,456 of 1,598,966 alleles (22%); highest among the groups gnomAD compares: South Asian, 32%; 40,290 homozygotes.

Submissions (2):

GeneDx
Classification: Benign. Last evaluated: 2018-06-19. Review status: criteria provided, single submitter. Criteria: GeneDx Variant Classification (06012015). Collection method: clinical testing. Allele origin: germline. Affected: yes.
Comment: This variant is considered likely benign or benign based on one or more of the following criteria: it is a conservative change, it occurs at a poorly conserved position in the protein, it is predicted to be benign by multiple in silico algorithms, and/or has population frequency not consistent with disease.

Breakthrough Genomics
Classification: Benign. Review status: criteria provided, single submitter. Criteria: ACMG Guidelines, 2015. Collection method: not provided. Allele origin: germline. Inheritance: Autosomal recessive inheritance. Affected: yes.

NM_173660.5(DOK7):c.773-56G>A

Gene: DOK7 (docking protein 7; plus strand). Cytogenetic location: 4p16.3.
Variant type: single nucleotide variant.
Coding change: c.773-56G>A on transcript NM_173660.5 (MANE Select); 56 bases into the intron before coding-DNA position 773, G replaced by A.
Molecular consequence: intron variant.
Genome position (GRCh38, 1-based): chr4:3,492,703, G>A. VCF-style: chr4-3492703-G-A. GRCh37 (hg19) VCF-style: chr4-3494430-G-A.
Other names: c.773-56G>A (NM_001301071.2); c.341-56G>A (NM_001363811.2); c.762-56G>A (NM_001164673.2); c.-158-56G>A (NM_001256896.2).
Identifiers: ClinVar variation 679332 (VCV000679332.2), dbSNP rs6830812, ClinGen allele CA11714506.